The following is an entry in ClinVar:

NC_000016.10:g.67660268G>A

Gene: ACD (ACD shelterin complex subunit and telomerase recruitment factor; minus strand). Cytogenetic location: 16q22.1.
Variant type: single nucleotide variant.
Genome position: GRCh38 VCF-style: chr16-67660268-G-A. GRCh37 (hg19) VCF-style: chr16-67694171-G-A.
Identifiers: ClinVar variation 4691946 (VCV004691946.1).
Genomic context (GRCh38, chr16:67,660,268, plus strand): 5'-CCGAACCTGCCATCCCCACGGCTACACCCAGCGGATGCAACGGGCCCGGGTTTCCCGCGG[G>A]CGCCCAGGCCCCGCCTTTCCTCGGAAGAGGAAGCTCCTTCGCTGGGCGGGGCCGGAGGAG-3'

ClinVar aggregate classification (germline): Uncertain significance (1 of 4 stars; one submission).

Conditions:
Dyskeratosis congenita, autosomal dominant 6 (DKCA6). Identifiers: Orphanet 3322, MedGen C4225284, MONDO:0014690, OMIM 616553.

Submission:

Labcorp Genetics (formerly Invitae), Labcorp
Classification: Uncertain significance for Dyskeratosis congenita, autosomal dominant 6. Last evaluated: 2025-11-10. Review status: criteria provided, single submitter. Criteria: Invitae Variant Classification Sherloc (09022015). Collection method: clinical testing. Allele origin: germline.
Comment: This sequence change replaces proline, which is neutral and non-polar, with serine, which is neutral and polar, at codon 71 of the ACD protein (p.Pro71Ser). This variant is not present in population databases (gnomAD no frequency). This variant has not been reported in the literature in individuals affected with ACD-related conditions. An algorithm developed to predict the effect of missense changes on protein structure and function outputs the following: PolyPhen-2: "Benign". The serine amino acid residue is found in multiple mammalian species, which suggests that this missense change does not adversely affect protein function. In summary, the available evidence is currently insufficient to determine the role of this variant in disease. Therefore, it has been classified as a Variant of Uncertain Significance.